The following is an entry in ClinVar:

NM_015378.4(VPS13D):c.1055dup (p.Tyr352Ter)

Gene: VPS13D (vacuolar protein sorting 13 homolog D; plus strand). Cytogenetic location: 1p36.22.
Variant type: Duplication.
Coding change: c.1055dup on transcript NM_015378.4 (MANE Select); coding-DNA position 1055, one base duplicated (A; older notation c.1055dupA).
Protein change: p.Tyr352Ter; replaces tyrosine 352 with a stop codon.
Molecular consequence: nonsense.
Genome position (GRCh38, 1-based): chr1:12,258,048, A duplicated. VCF-style (leftmost placement, unchanged base first): chr1-12258047-T-TA. GRCh37 (hg19) VCF-style: chr1-12318104-T-TA.
Other names: c.1055dup, p.Tyr352Ter (NM_018156.4); c.1055dupA (NM_015378.4); short protein forms Y352*.
Identifiers: ClinVar variation 3255090 (VCV003255090.2), dbSNP rs2523928931.

ClinVar aggregate classification (germline): Pathogenic (1 of 4 stars; one submission).

Conditions:
Autosomal recessive cerebellar ataxia-saccadic intrusion syndrome. Also called: VPS13D Movement Disorder; SPINOCEREBELLAR ATAXIA 24. Identifiers: Orphanet 95434, MedGen C1846492, MONDO:0011811, OMIM 607317.

Allele frequency attached by ClinVar (database versions not stated): gnomAD exomes below 0.00001.

Submission:

Victorian Clinical Genetics Services, Murdoch Childrens Research Institute
Classification: Pathogenic for Autosomal recessive cerebellar ataxia-saccadic intrusion syndrome. Last evaluated: 2024-09-20. Review status: criteria provided, single submitter. Criteria: ACMG Guidelines, 2015. Collection method: clinical testing. Allele origin: germline. Inheritance: Autosomal recessive inheritance. Affected: yes.
Comment: Based on the classification scheme VCGS_Germline_v1.3.4, this variant is classified as Pathogenic. Following criteria are met: 0102 - Loss of function is a known mechanism of disease in this gene and is associated with spinocerebellar ataxia, autosomal recessive 4 (MIM#607317). (I) 0106 - This gene is associated with autosomal recessive disease. (I) 0201 - Variant is predicted to cause nonsense-mediated decay (NMD) and loss of protein (premature termination codon is located at least 54 nucleotides upstream of the final exon-exon junction). (SP) 0251 - This variant is heterozygous. (I) 0301 - Variant is absent from gnomAD (both v2 and v3). (SP) 0701 - Many other NMD-predicted variants comparable to the one identified in this case have very strong previous evidence for pathogenicity (DECIPHER). (SP) 0807 - This variant has no previous evidence of pathogenicity. (I) 0905 - No published segregation evidence has been identified for this variant. (I) 1007 - No published functional evidence has been identified for this variant. (I) Legend: (SP) - Supporting pathogenic, (I) - Information, (SB) - Supporting benign